The following is an entry in ClinVar:

NM_006767.4(LZTR1):c.784G>C (p.Asp262His)

Gene: LZTR1 (leucine zipper like post translational regulator 1; plus strand). Cytogenetic location: 22q11.21.
Variant type: single nucleotide variant.
Coding change: c.784G>C on transcript NM_006767.4 (MANE Select); coding-DNA position 784, G replaced by C.
Protein change: p.Asp262His; replaces aspartic acid 262 with histidine.
Molecular consequence: missense variant.
Genome position (GRCh38, 1-based): chr22:20,990,518, G>C. VCF-style: chr22-20990518-G-C. GRCh37 (hg19) VCF-style: chr22-21344807-G-C.
Other names: short protein forms D262H.
Identifiers: ClinVar variation 1760887 (VCV001760887.5), dbSNP rs772266158, ClinGen allele CA10118609.
Genomic context (GRCh38, chr22:20,990,518, plus strand): 5'-GTATTCTCTGGGCAAAGCGGAGCCAAAATAACCAACAACCTCTTCCAGTTTGAATTCAAG[G>C]ACAAGACGTGAGTACTCTGGCCAGTGGGGTGGAGGGAGGACGGTCAGTTCCCTCGAATCC-3'
Protein context (NP_006758.2, residues 252-272): TNNLFQFEFK[Asp262His]KTWTRIPTEH

ClinVar aggregate classification (germline): Uncertain significance. Review status: criteria provided, multiple submitters, no conflicts (2 of 4 stars). 2 submissions from 2 submitters: Uncertain significance (2). Last evaluated 2025-05-05.

Conditions:
Hereditary cancer-predisposing syndrome. Also called: Neoplastic Syndromes, Hereditary; Tumor predisposition; Hereditary Cancer Syndrome; Hereditary neoplastic syndrome. Identifiers: Orphanet 140162, MedGen C0027672, MeSH D009386, MONDO:0015356.
Cardiovascular phenotype. Identifiers: MedGen CN230736.

Allele frequency attached by ClinVar (database versions not stated): ExAC 0.00001.

Submissions (2):

Ambry Genetics
Classification: Uncertain significance for Cardiovascular phenotype; Hereditary cancer-predisposing syndrome. Last evaluated: 2025-05-05. Review status: criteria provided, single submitter. Criteria: Ambry Variant Classification Scheme 2023. Collection method: clinical testing. Allele origin: germline.
Comment: The p.D262H variant (also known as c.784G>C), located in coding exon 8 of the LZTR1 gene, results from a G to C substitution at nucleotide position 784. The aspartic acid at codon 262 is replaced by histidine, an amino acid with similar properties. This amino acid position is not well conserved in available vertebrate species. In addition, this alteration is predicted to be tolerated by in silico analysis. Based on the available evidence, the clinical significance of this variant remains unclear.

Labcorp Genetics (formerly Invitae), Labcorp
Classification: Uncertain significance. Last evaluated: 2024-02-23. Review status: criteria provided, single submitter. Criteria: Invitae Variant Classification Sherloc (09022015). Collection method: clinical testing. Allele origin: germline.
Comment: This sequence change replaces aspartic acid, which is acidic and polar, with histidine, which is basic and polar, at codon 262 of the LZTR1 protein (p.Asp262His). This variant is present in population databases (rs772266158, gnomAD 0.0009%). This variant has not been reported in the literature in individuals affected with LZTR1-related conditions. ClinVar contains an entry for this variant (Variation ID: 1760887). Advanced modeling of protein sequence and biophysical properties (such as structural, functional, and spatial information, amino acid conservation, physicochemical variation, residue mobility, and thermodynamic stability) performed at Invitae indicates that this missense variant is not expected to disrupt LZTR1 protein function with a negative predictive value of 80%. In summary, the available evidence is currently insufficient to determine the role of this variant in disease. Therefore, it has been classified as a Variant of Uncertain Significance.